The following is an entry in ClinVar:

ClinVar aggregate classification (germline): Conflicting classifications of pathogenicity. Review status: criteria provided, conflicting classifications (1 of 4 stars). 2 submissions from 2 submitters: Uncertain significance (1); Likely benign (1). Last evaluated 2025-12-22.

Conditions:
Fanconi anemia complementation group J. Also called: BRIP1-Related Fanconi Anemia. Identifiers: Orphanet 84, MedGen C1836860, MONDO:0012187, OMIM 609054.
Familial cancer of breast. Also called: hereditary breast carcinoma; Hereditary breast cancer; BREAST CANCER, FAMILIAL. Identifiers: Orphanet 227535, MedGen C0346153, MONDO:0016419, OMIM 114480. Disease mechanism: loss of function.
Hereditary cancer-predisposing syndrome. Also called: Tumor predisposition; Hereditary neoplastic syndrome; Neoplastic Syndromes, Hereditary; Hereditary Cancer Syndrome. Identifiers: Orphanet 140162, MedGen C0027672, MeSH D009386, MONDO:0015356.

Submissions (2):

Labcorp Genetics (formerly Invitae), Labcorp
Classification: Uncertain significance for Familial cancer of breast; Fanconi anemia complementation group J. Last evaluated: 2025-12-22. Review status: criteria provided, single submitter. Criteria: Invitae Variant Classification Sherloc (09022015). Collection method: clinical testing. Allele origin: germline.
Comment: This sequence change replaces proline, which is neutral and non-polar, with serine, which is neutral and polar, at codon 1033 of the BRIP1 protein (p.Pro1033Ser). This variant is not present in population databases (gnomAD no frequency). This variant has not been reported in the literature in individuals affected with BRIP1-related conditions. ClinVar contains an entry for this variant (Variation ID: 1499404). Invitae Evidence Modeling of protein sequence and biophysical properties (such as structural, functional, and spatial information, amino acid conservation, physicochemical variation, residue mobility, and thermodynamic stability) indicates that this missense variant is not expected to disrupt BRIP1 protein function with a negative predictive value of 95%. In summary, the available evidence is currently insufficient to determine the role of this variant in disease. Therefore, it has been classified as a Variant of Uncertain Significance.

Ambry Genetics
Classification: Likely benign for Hereditary cancer-predisposing syndrome. Last evaluated: 2020-02-06. Review status: criteria provided, single submitter. Criteria: Ambry Variant Classification Scheme 2023. Collection method: clinical testing. Allele origin: germline.

NM_032043.3(BRIP1):c.3097C>T (p.Pro1033Ser)

Gene: BRIP1 (BRCA1 interacting DNA helicase 1; minus strand). Cytogenetic location: 17q23.2.
Variant type: single nucleotide variant.
Coding change: c.3097C>T on transcript NM_032043.3 (MANE Select); coding-DNA position 3097, C replaced by T.
Protein change: p.Pro1033Ser; replaces proline 1033 with serine.
Molecular consequence: missense variant.
Genome position (GRCh38, 1-based): chr17:61,683,949, G>A on the plus strand (C>T on the coding strand, the complement: BRIP1 is on the minus strand). VCF-style: chr17-61683949-G-A. GRCh37 (hg19) VCF-style: chr17-59761310-G-A.
Other names: short protein forms P1033S.
Identifiers: ClinVar variation 1499404 (VCV001499404.11), dbSNP rs876659119, ClinGen allele CA400479760.